The following is an entry in ClinVar:

NM_004984.4(KIF5A):c.1705G>A (p.Glu569Lys)

Gene: KIF5A (kinesin family member 5A; plus strand). Cytogenetic location: 12q13.3.
Variant type: single nucleotide variant.
Coding change: c.1705G>A on transcript NM_004984.4 (MANE Select); coding-DNA position 1705, G replaced by A.
Protein change: p.Glu569Lys; replaces glutamic acid 569 with lysine.
Molecular consequence: missense variant.
Genome position (GRCh38, 1-based): chr12:57,572,715, G>A. VCF-style: chr12-57572715-G-A. GRCh37 (hg19) VCF-style: chr12-57966498-G-A.
Other names: c.1438G>A, p.Glu480Lys (NM_001354705.2); short protein forms E480K, E569K.
Identifiers: ClinVar variation 2074578 (VCV002074578.4), dbSNP rs1882294398, ClinGen allele CA385508247.
Genomic context (GRCh38, chr12:57,572,715, plus strand): 5'-GAGGTGCTGAACGGGCTGATGAAGGATCTGAGCGAGTTCAGTGTCATTGTGGGCAACGGG[G>A]AGATTAAGCTGGTGAGTGGTGAGAGACAGCAGCCTTGTTCAGGCTGGGCACTAGTGGAAG-3'
Protein context (NP_004975.2, residues 559-579): SEFSVIVGNG[Glu569Lys]IKLPVEISGA

ClinVar aggregate classification (germline): Uncertain significance (1 of 4 stars; one submission).

Conditions:
Spastic paraplegia. Identifiers: MedGen C0037772, HP:0001258.

Allele frequency attached by ClinVar (database versions not stated): gnomAD 0.00001; TOPMed 0.00001.
gnomAD v4.1: 1 of 1,614,108 alleles (0.000062%); highest among the groups gnomAD compares: Non-Finnish European, 0.000085%; no homozygotes.

Submission:

Labcorp Genetics (formerly Invitae), Labcorp
Classification: Uncertain significance for Spastic paraplegia. Last evaluated: 2022-08-15. Review status: criteria provided, single submitter. Criteria: Invitae Variant Classification Sherloc (09022015). Collection method: clinical testing. Allele origin: germline.
Comment: In summary, the available evidence is currently insufficient to determine the role of this variant in disease. Therefore, it has been classified as a Variant of Uncertain Significance. This sequence change replaces glutamic acid, which is acidic and polar, with lysine, which is basic and polar, at codon 569 of the KIF5A protein (p.Glu569Lys). This variant is not present in population databases (gnomAD no frequency). This variant has not been reported in the literature in individuals affected with KIF5A-related conditions. Advanced modeling of protein sequence and biophysical properties (such as structural, functional, and spatial information, amino acid conservation, physicochemical variation, residue mobility, and thermodynamic stability) performed at Invitae indicates that this missense variant is not expected to disrupt KIF5A protein function.